The following is an entry in ClinVar:

ClinVar aggregate classification (germline): Likely benign. Review status: criteria provided, multiple submitters, no conflicts (2 of 4 stars). 4 submissions from 4 submitters: Likely benign (3). 1 of the submissions does not count toward it. Last evaluated 2023-03-23.

Conditions:
ABCA4-related disorder. Also called: ABCA4-related disorders; ABCA4-related condition. Identifiers: MedGen CN239167.

Allele frequency attached by ClinVar (database versions not stated): gnomAD 0.00001; TOPMed 0.00001; gnomAD exomes 0.00002.
gnomAD v4.1: 13 of 1,613,312 alleles (0.00081%); highest among the groups gnomAD compares: Non-Finnish European, 0.001%; no homozygotes.

Submissions (4):

Labcorp Genetics (formerly Invitae), Labcorp
Classification: Likely benign. Last evaluated: 2023-03-23. Review status: criteria provided, single submitter. Criteria: Invitae Variant Classification Sherloc (09022015). Collection method: clinical testing. Allele origin: germline.

Blueprint Genetics
Classification: Likely benign. Last evaluated: 2021-03-01. Review status: criteria provided, single submitter. Criteria: ACMG Guidelines, 2015. Collection method: clinical testing. Allele origin: germline.

GeneDx
Classification: Likely benign. Last evaluated: 2018-03-22. Review status: criteria provided, single submitter. Criteria: GeneDx Variant Classification (06012015). Collection method: clinical testing. Allele origin: germline. Affected: yes.
Comment: This variant is considered likely benign or benign based on one or more of the following criteria: it is a conservative change, it occurs at a poorly conserved position in the protein, it is predicted to be benign by multiple in silico algorithms, and/or has population frequency not consistent with disease.

PreventionGenetics, part of Exact Sciences
Classification: Likely benign for ABCA4-related condition. Last evaluated: 2023-06-09. Review status: no assertion criteria provided. Collection method: clinical testing. Allele origin: germline. Not counted in ClinVar's aggregate classification.
Comment: This variant is classified as likely benign based on ACMG/AMP sequence variant interpretation guidelines (Richards et al. 2015 PMID: 25741868, with internal and published modifications).

NM_000350.3(ABCA4):c.1962T>C (p.Cys654=)

Gene: ABCA4 (ATP binding cassette subfamily A member 4; minus strand). Cytogenetic location: 1p22.1.
Variant type: single nucleotide variant.
Coding change: c.1962T>C on transcript NM_000350.3 (MANE Select); coding-DNA position 1962, T replaced by C.
Protein change: p.Cys654=; no amino-acid change (cysteine 654 retained).
Molecular consequence: synonymous variant.
Genome position (GRCh38, 1-based): chr1:94,060,735, A>G on the plus strand (T>C on the coding strand, the complement: ABCA4 is on the minus strand). VCF-style: chr1-94060735-A-G. GRCh37 (hg19) VCF-style: chr1-94526291-A-G.
Other names: c.1962T>C, p.Cys654= (NM_001425324.1).
Identifiers: ClinVar variation 681135 (VCV000681135.8), dbSNP rs976467572, ClinGen allele CA26846621.
Genomic context (GRCh38, chr1:94,060,735, plus strand): 5'-GATGCTCTTCACAGTCATGGAGACAGAGTAGATCCATGCCAGCACCATGAAGATAGGGAA[A>G]CAGCGGTTCAGGATGATCATGAAACTAAAGCAAAAGGAGAGAAGCAGAATAGTAGAGTGC-3'
Protein context (NP_000341.2, residues 644-664): DDSFMIILNR[Cys654=]FPIFMVLAWI